The following is an entry in ClinVar:

NM_001040142.2(SCN2A):c.5467G>A (p.Asp1823Asn)

Gene: SCN2A (sodium voltage-gated channel alpha subunit 2; plus strand). Cytogenetic location: 2q24.3.
Variant type: single nucleotide variant.
Coding change: c.5467G>A on transcript NM_001040142.2 (MANE Select); coding-DNA position 5467, G replaced by A.
Protein change: p.Asp1823Asn; replaces aspartic acid 1823 with asparagine.
Molecular consequence: missense variant.
Genome position (GRCh38, 1-based): chr2:165,389,273, G>A. VCF-style: chr2-165389273-G-A. GRCh37 (hg19) VCF-style: chr2-166245783-G-A.
Other names: c.5467G>A, p.Asp1823Asn (NM_001040143.2, NM_001371246.1, NM_001371247.1 and 1 more transcripts); short protein forms D1823N.
Identifiers: ClinVar variation 2580799 (VCV002580799.1), dbSNP rs779516339, ClinGen allele CA1940395.

ClinVar aggregate classification (germline): Uncertain significance (1 of 4 stars; one submission).

Allele frequency attached by ClinVar (database versions not stated): ExAC 0.00002; gnomAD exomes 0.00002.
gnomAD v4.1: 25 of 1,614,100 alleles (0.0015%); highest among the groups gnomAD compares: South Asian, 0.027%; no homozygotes.

Submission:

GeneDx
Classification: Uncertain significance. Last evaluated: 2023-09-23. Review status: criteria provided, single submitter. Criteria: GeneDx Variant Classification Process June 2021. Collection method: clinical testing. Allele origin: germline. Affected: yes.
Comment: Missense variants in this gene are often considered pathogenic (HGMD); This substitution is predicted to be within the C-terminal cytoplasmic domain; In silico analysis supports that this missense variant does not alter protein structure/function; Has not been previously published as pathogenic or benign to our knowledge